The following is an entry in ClinVar:

NM_000053.4(ATP7B):c.4115A>G (p.Gln1372Arg)

Gene: ATP7B (ATPase copper transporting beta; minus strand). Cytogenetic location: 13q14.3.
Variant type: single nucleotide variant.
Coding change: c.4115A>G on transcript NM_000053.4 (MANE Select); coding-DNA position 4115, A replaced by G.
Protein change: p.Gln1372Arg; replaces glutamine 1372 with arginine.
Molecular consequence: missense variant.
Genome position (GRCh38, 1-based): chr13:51,935,602, T>C on the plus strand (A>G on the coding strand, the complement: ATP7B is on the minus strand). VCF-style: chr13-51935602-T-C. GRCh37 (hg19) VCF-style: chr13-52509738-T-C.
Other names: c.3785A>G, p.Gln1262Arg (NM_001406536.1, NM_001406535.1); c.3776A>G, p.Gln1259Arg (NM_001406537.1); c.3737A>G, p.Gln1246Arg (NM_001406538.1); c.3686A>G, p.Gln1229Arg (NM_001406539.1); c.3668A>G, p.Gln1223Arg (NM_001406540.1); c.3629A>G, p.Gln1210Arg (NM_001406541.1, NM_001406542.1); c.3623A>G, p.Gln1208Arg (NM_001406543.1); c.3533A>G, p.Gln1178Arg (NM_001406544.1); and 21 more; short protein forms Q1091R, Q1145R, Q1165R, Q1259R, Q1288R, Q1304R, Q1307R, Q1354R.
Identifiers: ClinVar variation 4592062 (VCV004592062.1).

ClinVar aggregate classification (germline): Uncertain significance (1 of 4 stars; one submission).

Conditions:
Inborn genetic diseases. Identifiers: MedGen C0950123, MeSH D030342.

gnomAD v4.1: 8 of 1,613,436 alleles (0.0005%); highest among the groups gnomAD compares: Non-Finnish European, 0.00068%; no homozygotes.

Submission:

Ambry Genetics
Classification: Uncertain significance for Inborn genetic diseases. Last evaluated: 2025-09-27. Review status: criteria provided, single submitter. Criteria: Ambry Variant Classification Scheme 2023. Collection method: clinical testing. Allele origin: germline.
Comment: The p.Q1372R variant (also known as c.4115A>G), located in coding exon 20 of the ATP7B gene, results from an A to G substitution at nucleotide position 4115. The glutamine at codon 1372 is replaced by arginine, an amino acid with highly similar properties. This amino acid position is conserved. In addition, the in silico prediction for this alteration is inconclusive. Based on the available evidence, the clinical significance of this variant remains unclear.